The following is an entry in ClinVar:

NM_017636.4(TRPM4):c.3462-2A>C

Gene: TRPM4 (transient receptor potential cation channel subfamily M member 4; plus strand). Cytogenetic location: 19q13.33.
Variant type: single nucleotide variant.
Coding change: c.3462-2A>C on transcript NM_017636.4 (MANE Select); the canonical splice acceptor site of the intron before coding-DNA position 3462, A replaced by C.
Molecular consequence: splice acceptor variant.
Genome position (GRCh38, 1-based): chr19:49,211,013, A>C. VCF-style: chr19-49211013-A-C. GRCh37 (hg19) VCF-style: chr19-49714270-A-C.
Other names: c.3027-2A>C (NM_001195227.2); c.1854-2A>C (NM_001321282.2); c.3117-2A>C (NM_001321281.2); c.2940-2A>C (NM_001321283.2); c.2400-2A>C (NM_001321285.2).
Identifiers: ClinVar variation 2740768 (VCV002740768.3), dbSNP rs1555766228, ClinGen allele CA9569932.

ClinVar aggregate classification (germline): Uncertain significance (1 of 4 stars; one submission).

Conditions:
Progressive familial heart block type IB (PFHB1B). Identifiers: Orphanet 871, MedGen C1970298, MONDO:0011474, OMIM 604559.

Allele frequency attached by ClinVar (database versions not stated): gnomAD exomes below 0.00001; ExAC 0.00001.
gnomAD v4.1: 1 of 1,613,912 alleles (0.000062%); highest among the groups gnomAD compares: Non-Finnish European, 0.000085%; no homozygotes.

Submission:

Labcorp Genetics (formerly Invitae), Labcorp
Classification: Uncertain significance for Progressive familial heart block type IB. Last evaluated: 2023-12-18. Review status: criteria provided, single submitter. Criteria: Invitae Variant Classification Sherloc (09022015). Collection method: clinical testing. Allele origin: germline.
Comment: This sequence change affects an acceptor splice site in intron 22 of the TRPM4 gene. It is expected to disrupt RNA splicing. Variants that disrupt the donor or acceptor splice site typically lead to a loss of protein function (PMID: 16199547), however the current clinical and genetic evidence is not sufficient to establish whether loss-of-function variants in TRPM4 cause disease. This variant is present in population databases (no rsID available, gnomAD 0.0009%). This variant has not been reported in the literature in individuals affected with TRPM4-related conditions. Algorithms developed to predict the effect of sequence changes on RNA splicing suggest that this variant may disrupt the consensus splice site. In summary, the available evidence is currently insufficient to determine the role of this variant in disease. Therefore, it has been classified as a Variant of Uncertain Significance.

Literature cited by the submitters: PubMed 16199547.